The following is an entry in ClinVar:

NM_000138.5(FBN1):c.4772G>A (p.Gly1591Glu)

Gene: FBN1 (fibrillin 1; minus strand). Cytogenetic location: 15q21.1.
Variant type: single nucleotide variant.
Coding change: c.4772G>A on transcript NM_000138.5 (MANE Select); coding-DNA position 4772, G replaced by A.
Protein change: p.Gly1591Glu; replaces glycine 1591 with glutamic acid.
Molecular consequence: missense variant.
Genome position (GRCh38, 1-based): chr15:48,465,834, C>T on the plus strand (G>A on the coding strand, the complement: FBN1 is on the minus strand). VCF-style: chr15-48465834-C-T. GRCh37 (hg19) VCF-style: chr15-48758031-C-T.
Other names: short protein forms G1591E.
Identifiers: ClinVar variation 406285 (VCV000406285.9), dbSNP rs772818208, ClinGen allele CA053701.
Genomic context (GRCh38, chr15:48,465,834, plus strand): 5'-AAGGAAACACAATTACCTTCCAATATAACGGTGATAGGATTTGGTCGGAAACCTTCCCCT[C>T]CAGGACAAAGAATTTTGTACTCGGCTATTGAAACAAAAATTCAAATTGAGTTGTTTTGAA-3'
Protein context (NP_000129.3, residues 1581-1601): NTSEYKILCP[Gly1591Glu]GEGFRPNPIT

ClinVar aggregate classification (germline): Uncertain significance. Review status: criteria provided, multiple submitters, no conflicts (2 of 4 stars). 2 submissions from 2 submitters: Uncertain significance (2). Last evaluated 2025-06-06.

Conditions:
Marfan syndrome (MFS). Also called: Marfan syndrome, classic; Marfan syndrome type 1; Marfan's syndrome; MARFAN SYNDROME, TYPE I; FBN1-Related Marfan Syndrome. Identifiers: Orphanet 284963, Orphanet 558, MedGen C0024796, MONDO:0007947, OMIM 154700.
Familial thoracic aortic aneurysm and aortic dissection (TAAD). Also called: Thoracic aortic aneurysms and dissections. Identifiers: Orphanet 91387, MedGen C4707243, MONDO:0019625.

Allele frequency attached by ClinVar (database versions not stated): gnomAD exomes below 0.00001; TOPMed 0.00001; gnomAD 0.00001; ExAC 0.00001.
gnomAD v4.1: 4 of 1,613,464 alleles (0.00025%); highest among the groups gnomAD compares: Non-Finnish European, 0.00034%; no homozygotes.

Submissions (2):

GeneDx
Classification: Uncertain significance. Last evaluated: 2025-06-06. Review status: criteria provided, single submitter. Criteria: GeneDx Variant Classification Process June 2021. Collection method: clinical testing. Allele origin: germline. Affected: yes.
Comment: Not observed at significant frequency in large population cohorts (gnomAD); In silico analysis supports that this missense variant has a deleterious effect on protein structure/function; Has not been previously published as pathogenic or benign to our knowledge

Labcorp Genetics (formerly Invitae), Labcorp
Classification: Uncertain significance for Marfan syndrome; Familial thoracic aortic aneurysm and aortic dissection. Last evaluated: 2025-03-17. Review status: criteria provided, single submitter. Criteria: Invitae Variant Classification Sherloc (09022015). Collection method: clinical testing. Allele origin: germline.
Comment: This sequence change replaces glycine, which is neutral and non-polar, with glutamic acid, which is acidic and polar, at codon 1591 of the FBN1 protein (p.Gly1591Glu). This variant is present in population databases (rs772818208, gnomAD 0.0009%). This variant has not been reported in the literature in individuals affected with FBN1-related conditions. ClinVar contains an entry for this variant (Variation ID: 406285). Invitae Evidence Modeling of protein sequence and biophysical properties (such as structural, functional, and spatial information, amino acid conservation, physicochemical variation, residue mobility, and thermodynamic stability) indicates that this missense variant is expected to disrupt FBN1 protein function with a positive predictive value of 95%. In summary, the available evidence is currently insufficient to determine the role of this variant in disease. Therefore, it has been classified as a Variant of Uncertain Significance.